The following is an entry in ClinVar:

ClinVar aggregate classification (germline): Uncertain significance. Review status: criteria provided, multiple submitters, no conflicts (2 of 4 stars). 4 submissions from 4 submitters: Uncertain significance (4). Last evaluated 2025-03-31.

Conditions:
Juvenile polyposis syndrome (JPS). Identifiers: Orphanet 2929, MedGen C0345893, MONDO:0017380, OMIM 174900.
Juvenile polyposis/hereditary hemorrhagic telangiectasia syndrome (JPHT). Also called: JP/HHT SYNDROME; JUVENILE POLYPOSIS WITH HEREDITARY HEMORRHAGIC TELANGIECTASIA; POLYPOSIS, GENERALIZED JUVENILE, WITH PULMONARY ARTERIOVENOUS MALFORMATION; TELANGIECTASIA, HEREDITARY HEMORRHAGIC, WITH JUVENILE POLYPOSIS COLI; Juvenile Polyposis Syndrome / Hereditary Hemorrhagic Telangiectasia (JPS/HHT). Identifiers: Orphanet 2929, MedGen C1832942, MONDO:0008278, OMIM 175050.
Familial pancreatic carcinoma. Identifiers: Orphanet 1333, MedGen C2931038, MONDO:0015278, OMIM 260350.
Myhre syndrome (MYHRS). Also called: LARYNGOTRACHEAL STENOSIS, ARTHROPATHY, PROGNATHISM, AND SHORT STATURE; LAPS SYNDROME. Identifiers: Orphanet 2588, MedGen C0796081, MONDO:0007688, OMIM 139210.
Familial thoracic aortic aneurysm and aortic dissection (TAAD). Also called: Thoracic aortic aneurysms and dissections. Identifiers: Orphanet 91387, MedGen C4707243, MONDO:0019625.
Hereditary cancer-predisposing syndrome. Also called: Neoplastic Syndromes, Hereditary; Tumor predisposition; Hereditary neoplastic syndrome; Hereditary Cancer Syndrome. Identifiers: Orphanet 140162, MedGen C0027672, MeSH D009386, MONDO:0015356.

Submissions (4):

Quest Diagnostics Nichols Institute San Juan Capistrano
Classification: Uncertain significance. Last evaluated: 2025-03-31. Review status: criteria provided, single submitter. Criteria: Quest Diagnostics criteria. Collection method: clinical testing. Allele origin: unknown.
Comment: The SMAD4 c.1547A>G (p.Gln516Arg) variant has not been reported in individuals with SMAD4-related conditions in the published literature. It also has not been reported in large, multi-ethnic general populations (Genome Aggregation Database). Analysis of this variant using bioinformatics tools for the prediction of the effect of amino acid changes on protein structure and function yielded conflicting predictions that this variant is deleterious or benign. Based on the available information, we are unable to determine the clinical significance of this variant.

Labcorp Genetics (formerly Invitae), Labcorp
Classification: Uncertain significance for Juvenile polyposis syndrome. Last evaluated: 2024-07-10. Review status: criteria provided, single submitter. Criteria: Invitae Variant Classification Sherloc (09022015). Collection method: clinical testing. Allele origin: germline.
Comment: This sequence change replaces glutamine, which is neutral and polar, with arginine, which is basic and polar, at codon 516 of the SMAD4 protein (p.Gln516Arg). This variant is not present in population databases (gnomAD no frequency). This variant has not been reported in the literature in individuals affected with SMAD4-related conditions. ClinVar contains an entry for this variant (Variation ID: 185841). Advanced modeling of protein sequence and biophysical properties (such as structural, functional, and spatial information, amino acid conservation, physicochemical variation, residue mobility, and thermodynamic stability) has been performed at Invitae for this missense variant, however the output from this modeling did not meet the statistical confidence thresholds required to predict the impact of this variant on SMAD4 protein function. In summary, the available evidence is currently insufficient to determine the role of this variant in disease. Therefore, it has been classified as a Variant of Uncertain Significance.

Fulgent Genetics
Classification: Uncertain significance for Myhre syndrome; Juvenile polyposis syndrome; Juvenile polyposis/hereditary hemorrhagic telangiectasia syndrome; Familial pancreatic carcinoma. Last evaluated: 2024-03-19. Review status: criteria provided, single submitter. Criteria: ACMG Guidelines, 2015. Collection method: clinical testing. Allele origin: germline.

Ambry Genetics
Classification: Uncertain significance for Hereditary cancer-predisposing syndrome; Familial thoracic aortic aneurysm and aortic dissection. Last evaluated: 2014-08-08. Review status: criteria provided, single submitter. Criteria: Ambry Variant Classification Scheme 2023. Collection method: clinical testing. Allele origin: germline.
Comment: The p.Q516R variant (also known as c.1547A>G), located in coding exon 11 of the SMAD4 gene, results from an A to G substitution at nucleotide position 1547. The glutamine at codon 516 is replaced by arginine, an amino acid with highly similar properties. This variant was not reported in population based cohorts in the following databases: Database of Single Nucleotide Polymorphisms (dbSNP), NHLBI Exome Sequencing Project (ESP), and 1000 Genomes Project. To date, this alteration has been detected with an allele frequency of approximately 0.01% (greater than 12000 alleles tested) in our clinical cohort. This amino acid position is highly conserved in available vertebrate species. In addition, this alteration is predicted to be benign and tolerated by PolyPhen and SIFT in silico analyses, respectively. Since supporting evidence is limited at this time, the clinical significance of p.Q516R remains unclear.

NM_005359.6(SMAD4):c.1547A>G (p.Gln516Arg)

Gene: SMAD4 (SMAD family member 4; plus strand). Cytogenetic location: 18q21.2.
Variant type: single nucleotide variant.
Coding change: c.1547A>G on transcript NM_005359.6 (MANE Select); coding-DNA position 1547, A replaced by G.
Protein change: p.Gln516Arg; replaces glutamine 516 with arginine.
Molecular consequence: missense variant.
Genome position (GRCh38, 1-based): chr18:51,078,355, A>G. VCF-style: chr18-51078355-A-G. GRCh37 (hg19) VCF-style: chr18-48604725-A-G.
Other names: short protein forms Q516R.
Identifiers: ClinVar variation 185841 (VCV000185841.12), dbSNP rs786202496, ClinGen allele CA193130.